The following is an entry in ClinVar:

NM_001271.4(CHD2):c.4688A>G (p.Glu1563Gly)

Gene: CHD2 (chromodomain helicase DNA binding protein 2; plus strand). Cytogenetic location: 15q26.1.
Variant type: single nucleotide variant.
Coding change: c.4688A>G on transcript NM_001271.4 (MANE Select); coding-DNA position 4688, A replaced by G.
Protein change: p.Glu1563Gly; replaces glutamic acid 1563 with glycine.
Molecular consequence: missense variant.
Genome position (GRCh38, 1-based): chr15:93,012,440, A>G. VCF-style: chr15-93012440-A-G. GRCh37 (hg19) VCF-style: chr15-93555670-A-G.
Other names: short protein forms E1563G.
Identifiers: ClinVar variation 851409 (VCV000851409.8), dbSNP rs774715709, ClinGen allele CA7748525.

ClinVar aggregate classification (germline): Uncertain significance (1 of 4 stars; one submission).

Conditions:
Developmental and epileptic encephalopathy 94 (DEE94). Also called: CHD2-Related Neurodevelopmental Disorders; Epileptic encephalopathy, childhood-onset. Identifiers: Orphanet 1942, Orphanet 2382, MedGen C3809278, MONDO:0014150, OMIM 615369.

Allele frequency attached by ClinVar (database versions not stated): ExAC 0.00002; gnomAD exomes 0.00002 and 0.00003; TOPMed 0.00003; gnomAD 0.00004 and 0.00005.
gnomAD v4.1: 44 of 1,589,832 alleles (0.0028%); highest among the groups gnomAD compares: Non-Finnish European, 0.0031%; no homozygotes.

Submission:

Labcorp Genetics (formerly Invitae), Labcorp
Classification: Uncertain significance for Developmental and epileptic encephalopathy 94. Last evaluated: 2025-05-26. Review status: criteria provided, single submitter. Criteria: Invitae Variant Classification Sherloc (09022015). Collection method: clinical testing. Allele origin: germline.
Comment: This sequence change replaces glutamic acid, which is acidic and polar, with glycine, which is neutral and non-polar, at codon 1563 of the CHD2 protein (p.Glu1563Gly). This variant is present in population databases (rs774715709, gnomAD 0.009%). This variant has not been reported in the literature in individuals affected with CHD2-related conditions. ClinVar contains an entry for this variant (Variation ID: 851409). Invitae Evidence Modeling of protein sequence and biophysical properties (such as structural, functional, and spatial information, amino acid conservation, physicochemical variation, residue mobility, and thermodynamic stability) indicates that this missense variant is not expected to disrupt CHD2 protein function with a negative predictive value of 95%. In summary, the available evidence is currently insufficient to determine the role of this variant in disease. Therefore, it has been classified as a Variant of Uncertain Significance.